The following is an entry in ClinVar:

NM_000096.4(CP):c.2402A>G (p.Glu801Gly)

Gene: CP (ceruloplasmin; minus strand). Cytogenetic location: 3q24.
Variant type: single nucleotide variant.
Coding change: c.2402A>G on transcript NM_000096.4 (MANE Select); coding-DNA position 2402, A replaced by G.
Protein change: p.Glu801Gly; replaces glutamic acid 801 with glycine.
Molecular consequence: missense variant. On other transcripts: non-coding transcript variant (1).
Genome position (GRCh38, 1-based): chr3:149,183,489, T>C on the plus strand (A>G on the coding strand, the complement: CP is on the minus strand). VCF-style: chr3-149183489-T-C. GRCh37 (hg19) VCF-style: chr3-148901276-T-C.
Other names: short protein forms E801G.
Identifiers: ClinVar variation 1508634 (VCV001508634.8), dbSNP rs984317340, ClinGen allele CA85532933.

ClinVar aggregate classification (germline): Uncertain significance (1 of 4 stars; one submission).

Conditions:
Deficiency of ferroxidase (ACEP). Also called: Aceruloplasminemia; Deficiency of ceruloplasmin; NEURODEGENERATION WITH BRAIN IRON ACCUMULATION 10; Ceruloplasmin deficiency; Familial apoceruloplasmin deficiency; Hereditary ceruloplasmin deficiency. Identifiers: Orphanet 48818, MedGen C0878682, MONDO:0011426, OMIM 604290, HP:0025498.

Allele frequency attached by ClinVar (database versions not stated): gnomAD exomes below 0.00001 and 0.00001; gnomAD 0.00001; TOPMed 0.00002.
gnomAD v4.1: 11 of 1,611,654 alleles (0.00068%); highest among the groups gnomAD compares: Non-Finnish European, 0.00093%; no homozygotes.

Submission:

Labcorp Genetics (formerly Invitae), Labcorp
Classification: Uncertain significance for Deficiency of ferroxidase. Last evaluated: 2024-03-11. Review status: criteria provided, single submitter. Criteria: Invitae Variant Classification Sherloc (09022015). Collection method: clinical testing. Allele origin: germline.
Comment: This sequence change replaces glutamic acid, which is acidic and polar, with glycine, which is neutral and non-polar, at codon 801 of the CP protein (p.Glu801Gly). This variant is present in population databases (no rsID available, gnomAD 0.0009%). This variant has not been reported in the literature in individuals affected with CP-related conditions. ClinVar contains an entry for this variant (Variation ID: 1508634). Advanced modeling of protein sequence and biophysical properties (such as structural, functional, and spatial information, amino acid conservation, physicochemical variation, residue mobility, and thermodynamic stability) performed at Invitae indicates that this missense variant is not expected to disrupt CP protein function with a negative predictive value of 80%. In summary, the available evidence is currently insufficient to determine the role of this variant in disease. Therefore, it has been classified as a Variant of Uncertain Significance.